The following is an entry in ClinVar:

NM_007194.4(CHEK2):c.1461+4G>A

Gene: CHEK2 (checkpoint kinase 2; minus strand). Cytogenetic location: 22q12.1.
Variant type: single nucleotide variant.
Coding change: c.1461+4G>A on transcript NM_007194.4 (MANE Select); 4 bases into the intron after coding-DNA position 1461, G replaced by A.
Molecular consequence: intron variant.
Genome position (GRCh38, 1-based): chr22:28,694,028, C>T on the plus strand (G>A on the coding strand, the complement: CHEK2 is on the minus strand). VCF-style: chr22-28694028-C-T. GRCh37 (hg19) VCF-style: chr22-29090016-C-T.
Other names: c.798+4G>A (NM_001437942.1, NM_001257387.3); c.1260+4G>A (NM_001349956.3); c.1374+4G>A (NM_145862.3); c.1467+4G>A (NM_001438295.1); c.1554+4G>A (NM_001438293.1); c.1503+4G>A (NM_001438294.1); c.1590+4G>A (NM_001005735.3).
Identifiers: ClinVar variation 386026 (VCV000386026.18), dbSNP rs1057522400, ClinGen allele CA16609081.

ClinVar aggregate classification (germline): Conflicting classifications of pathogenicity. Review status: criteria provided, conflicting classifications (1 of 4 stars). 7 submissions from 7 submitters: Uncertain significance (3); Likely benign (4). Last evaluated 2025-11-17.

Conditions:
Hereditary cancer-predisposing syndrome. Also called: Hereditary Cancer Syndrome; Hereditary neoplastic syndrome; Neoplastic Syndromes, Hereditary; Tumor predisposition. Identifiers: Orphanet 140162, MedGen C0027672, MeSH D009386, MONDO:0015356.
Familial cancer of breast. Also called: hereditary breast carcinoma; Hereditary breast cancer; BREAST CANCER, FAMILIAL. Identifiers: Orphanet 227535, MedGen C0346153, MONDO:0016419, OMIM 114480. Disease mechanism: loss of function.

Allele frequency attached by ClinVar (database versions not stated): gnomAD exomes below 0.00001; gnomAD 0.00001; TOPMed 0.00002.
gnomAD v4.1: 4 of 1,589,254 alleles (0.00025%); highest among the groups gnomAD compares: Admixed American, 0.005%; no homozygotes.

Submissions (7):

Labcorp Genetics (formerly Invitae), Labcorp
Classification: Likely benign for Familial cancer of breast. Last evaluated: 2025-11-17. Review status: criteria provided, single submitter. Criteria: Invitae Variant Classification Sherloc (09022015). Collection method: clinical testing. Allele origin: germline.

Ambry Genetics
Classification: Uncertain significance for Hereditary cancer-predisposing syndrome. Last evaluated: 2025-10-27. Review status: criteria provided, single submitter. Criteria: Ambry Variant Classification Scheme 2023. Collection method: clinical testing. Allele origin: germline.
Comment: The c.1461+4G>A intronic variant results from a G to A substitution 4 nucleotides after coding exon 12 in the CHEK2 gene. This nucleotide position is well conserved in available vertebrate species. In silico splice site analysis predicts that this alteration will not have any significant effect on splicing; however, direct evidence is insufficient at this time (Ambry internal data). Since supporting evidence is limited at this time, the clinical significance of this alteration remains unclear.

Myriad Genetics, Inc.
Classification: Likely benign for Familial cancer of breast. Last evaluated: 2024-10-08. Review status: criteria provided, single submitter. Criteria: Myriad Autosomal Dominant, Autosomal Recessive and X-Linked Classification Criteria (2023). Collection method: clinical testing. Allele origin: unknown.
Comment: This variant is considered likely benign. This variant is intronic and is not expected to impact mRNA splicing.

Women's Health and Genetics/Laboratory Corporation of America, LabCorp
Classification: Uncertain significance. Last evaluated: 2024-07-07. Review status: criteria provided, single submitter. Criteria: LabCorp Variant Classification Summary - May 2015. Collection method: clinical testing. Allele origin: germline.

Quest Diagnostics Nichols Institute San Juan Capistrano
Classification: Uncertain significance. Last evaluated: 2024-01-23. Review status: criteria provided, single submitter. Criteria: Quest Diagnostics criteria. Collection method: clinical testing. Allele origin: unknown.
Comment: The CHEK2 c.1461+4G>A variant has not been reported in individuals with CHEK2-related conditions in the published literature. The frequency of this variant in the general population, 0.000013 (2/152196 chromosomes (Genome Aggregation Database)), is uninformative in the assessment of its pathogenicity. Analysis of this variant using software algorithms for the prediction of the effect of nucleotide changes on splicing yielded predictions that this variant does not affect CHEK2 mRNA splicing. Based on the available information, we are unable to determine the clinical significance of this variant.

GeneDx
Classification: Likely benign. Last evaluated: 2017-10-30. Review status: criteria provided, single submitter. Criteria: GeneDx Variant Classification (06012015). Collection method: clinical testing. Allele origin: germline. Affected: yes.
Comment: This variant is considered likely benign or benign based on one or more of the following criteria: it is a conservative change, it occurs at a poorly conserved position in the protein, it is predicted to be benign by multiple in silico algorithms, and/or has population frequency not consistent with disease.

Color Diagnostics, LLC DBA Color Health
Classification: Likely benign for Hereditary cancer-predisposing syndrome. Last evaluated: 2017-08-23. Review status: criteria provided, single submitter. Criteria: ACMG Guidelines, 2015. Collection method: clinical testing. Allele origin: germline.